The following is an entry in ClinVar:

ClinVar aggregate classification (germline): Uncertain significance (1 of 4 stars; one submission).

Conditions:
DICER1-related tumor predisposition. Also called: DICER1 syndrome; DICER1-related pleuropulmonary blastoma cancer predisposition syndrome. Identifiers: Orphanet 284343, MedGen C3839822, MONDO:0100216.

Submission:

Labcorp Genetics (formerly Invitae), Labcorp
Classification: Uncertain significance for DICER1-related tumor predisposition. Last evaluated: 2019-02-13. Review status: criteria provided, single submitter. Criteria: Invitae Variant Classification Sherloc (09022015). Collection method: clinical testing. Allele origin: germline.
Comment: This variant has not been reported in the literature in individuals with DICER1-related conditions. In summary, the available evidence is currently insufficient to determine the role of this variant in disease. Therefore, it has been classified as a Variant of Uncertain Significance. Experimental studies and prediction algorithms are not available for this variant, and the functional significance of the affected amino acid(s) is currently unknown. This variant is not present in population databases (ExAC no frequency). This variant, c.284_289del, results in the deletion of three and insertion of one amino acid(s) of the DICER1 protein (p.Arg95_Val97delinsMet), but otherwise preserves the integrity of the reading frame.

NM_177438.3(DICER1):c.284_289del (p.Arg95_Val97delinsMet)

Gene: DICER1 (dicer 1, ribonuclease III; minus strand). Cytogenetic location: 14q32.13.
Variant type: Deletion.
Coding change: c.284_289del on transcript NM_177438.3 (MANE Select); coding-DNA positions 284 to 289, 6 bases deleted (GGACGG; older notation c.284_289delGGACGG).
Protein change: p.Arg95_Val97delinsMet.
Molecular consequence: inframe indel.
Genome position (GRCh38, 1-based): chr14:95,132,533-95,132,538, CCGTCC deleted on the plus strand (GGACGG on the coding strand, the reverse complement: DICER1 is on the minus strand). VCF-style (leftmost placement, unchanged base first): chr14-95132532-ACCGTCC-A. GRCh37 (hg19) VCF-style: chr14-95598869-ACCGTCC-A.
Other names: c.284_289del, p.Arg95_Val97delinsMet (NM_001195573.1, NM_001271282.3, NM_001291628.2 and 1 more transcripts).
Identifiers: ClinVar variation 858131 (VCV000858131.9), dbSNP rs1894036576, ClinGen allele CA916081725.